The following is an entry in ClinVar:

NM_000038.6(APC):c.222G>T (p.Glu74Asp)

Gene: APC (APC regulator of Wnt signaling pathway; plus strand). Cytogenetic location: 5q22.2.
Variant type: single nucleotide variant.
Coding change: c.222G>T on transcript NM_000038.6 (MANE Select); coding-DNA position 222, G replaced by T.
Protein change: p.Glu74Asp; replaces glutamic acid 74 with aspartic acid.
Molecular consequence: missense variant. On other transcripts: 5 prime UTR variant (1).
Genome position (GRCh38, 1-based): chr5:112,767,190, G>T. VCF-style: chr5-112767190-G-T. GRCh37 (hg19) VCF-style: chr5-112102887-G-T.
Other names: c.222G>T, p.Glu74Asp (NM_001127510.3, NM_001354895.2, NM_001354896.2 and 2 more transcripts); c.252G>T, p.Glu84Asp (NM_001127511.3, NM_001354897.2, NM_001354902.2); c.147G>T, p.Glu49Asp (NM_001354898.2, NM_001354904.2); c.45G>T, p.Glu15Asp (NM_001354900.2, NM_001354901.2, NM_001354905.2); c.-814G>T (NM_001354906.2); short protein forms E15D, E49D, E84D, E74D.
Identifiers: ClinVar variation 1462231 (VCV001462231.6), dbSNP rs1561463688, ClinGen allele CA16021827.
Genomic context (GRCh38, chr5:112,767,190, plus strand): 5'-GAATATTTTAGACTGCTTAAAGCAATTGTTGTATAAAAACTTGTTTCTATTTTATTTAGA[G>T]CTTAACTTAGATAGCAGTAATTTCCCTGGAGTAAAACTGCGGTCAAAAATGTCCCTCCGT-3'
Protein context (NP_000029.2, residues 64-84): GQIDLLERLK[Glu74Asp]LNLDSSNFPG

ClinVar aggregate classification (germline): Uncertain significance (1 of 4 stars; one submission).

Conditions:
Familial adenomatous polyposis 1 (FAP1). Also called: FAMILIAL ADENOMATOUS POLYPOSIS 1, ATTENUATED; POLYPOSIS, ADENOMATOUS INTESTINAL. Identifiers: MedGen C2713442, MONDO:0021056, OMIM 175100. Disease mechanism: loss of function.

Allele frequency attached by ClinVar (database versions not stated): gnomAD exomes below 0.00001.
gnomAD v4.1: 3 of 1,612,612 alleles (0.00019%); highest among the groups gnomAD compares: Non-Finnish European, 0.00025%; no homozygotes.

Submission:

Labcorp Genetics (formerly Invitae), Labcorp
Classification: Uncertain significance for Familial adenomatous polyposis 1. Last evaluated: 2025-05-27. Review status: criteria provided, single submitter. Criteria: Invitae Variant Classification Sherloc (09022015). Collection method: clinical testing. Allele origin: germline.
Comment: This sequence change replaces glutamic acid, which is acidic and polar, with aspartic acid, which is acidic and polar, at codon 74 of the APC protein (p.Glu74Asp). This variant is not present in population databases (gnomAD no frequency). This variant has not been reported in the literature in individuals affected with APC-related conditions. ClinVar contains an entry for this variant (Variation ID: 1462231). An algorithm developed to predict the effect of missense changes on protein structure and function (PolyPhen-2) suggests that this variant is likely to be tolerated. In summary, the available evidence is currently insufficient to determine the role of this variant in disease. Therefore, it has been classified as a Variant of Uncertain Significance.